The following is an entry in ClinVar:

NM_015999.6(ADIPOR1):c.376A>C (p.Lys126Gln)

Gene: ADIPOR1 (adiponectin receptor 1; minus strand). Cytogenetic location: 1q32.1.
Variant type: single nucleotide variant.
Coding change: c.376A>C on transcript NM_015999.6 (MANE Select); coding-DNA position 376, A replaced by C.
Protein change: p.Lys126Gln; replaces lysine 126 with glutamine.
Molecular consequence: missense variant.
Genome position (GRCh38, 1-based): chr1:202,946,493, T>G on the plus strand (A>C on the coding strand, the complement: ADIPOR1 is on the minus strand). VCF-style: chr1-202946493-T-G. GRCh37 (hg19) VCF-style: chr1-202915621-T-G.
Other names: c.376A>C, p.Lys126Gln (NM_001290553.2, NM_001290557.1, NM_001290629.1 and 1 more transcripts); short protein forms K126Q.
Identifiers: ClinVar variation 1720911 (VCV001720911.5), dbSNP rs2527469865, ClinGen allele CA344282208.

ClinVar aggregate classification (germline): Uncertain significance (1 of 4 stars; one submission).

Submission:

Labcorp Genetics (formerly Invitae), Labcorp
Classification: Uncertain significance. Last evaluated: 2022-10-03. Review status: criteria provided, single submitter. Criteria: Invitae Variant Classification Sherloc (09022015). Collection method: clinical testing. Allele origin: germline.
Comment: This sequence change replaces lysine, which is basic and polar, with glutamine, which is neutral and polar, at codon 126 of the ADIPOR1 protein (p.Lys126Gln). This variant is not present in population databases (gnomAD no frequency). This variant has not been reported in the literature in individuals affected with ADIPOR1-related conditions. Algorithms developed to predict the effect of missense changes on protein structure and function output the following: SIFT: "Tolerated"; PolyPhen-2: "Benign"; Align-GVGD: "Class C0". The glutamine amino acid residue is found in multiple mammalian species, which suggests that this missense change does not adversely affect protein function. Algorithms developed to predict the effect of sequence changes on RNA splicing suggest that this variant may create or strengthen a splice site. In summary, the available evidence is currently insufficient to determine the role of this variant in disease. Therefore, it has been classified as a Variant of Uncertain Significance.